The following is an entry in ClinVar:

ClinVar aggregate classification (germline): Likely benign. Review status: criteria provided, multiple submitters, no conflicts (2 of 4 stars). 2 submissions from 2 submitters: Likely benign (2). Last evaluated 2022-06-01.

Allele frequency attached by ClinVar (database versions not stated): gnomAD 0.00003; TOPMed 0.00004; gnomAD exomes 0.00006; ExAC 0.00007; ESP Exome Variant Server 0.00023.
gnomAD v4.1: 109 of 1,614,184 alleles (0.0068%); highest among the groups gnomAD compares: Middle Eastern, 0.016%; no homozygotes.

Submissions (2):

CeGaT Center for Human Genetics Tuebingen
Classification: Likely benign. Last evaluated: 2022-06-01. Review status: criteria provided, single submitter. Criteria: CeGaT Center For Human Genetics Tuebingen Variant Classification Criteria Version 2. Collection method: clinical testing. Allele origin: germline. Affected: yes. Observed: 1 variant allele.
Comment: NRXN2: BP4, BP7

Labcorp Genetics (formerly Invitae), Labcorp
Classification: Likely benign. Last evaluated: 2018-03-30. Review status: criteria provided, single submitter. Criteria: Invitae Variant Classification Sherloc (09022015). Collection method: clinical testing. Allele origin: germline.

NM_015080.4(NRXN2):c.1653C>T (p.Ala551=)

Gene: NRXN2 (neurexin 2; minus strand). Cytogenetic location: 11q13.1.
Variant type: single nucleotide variant.
Coding change: c.1653C>T on transcript NM_015080.4 (MANE Select); coding-DNA position 1653, C replaced by T.
Protein change: p.Ala551=; no amino-acid change (alanine 551 retained).
Molecular consequence: synonymous variant.
Genome position (GRCh38, 1-based): chr11:64,667,395, G>A on the plus strand (C>T on the coding strand, the complement: NRXN2 is on the minus strand). VCF-style: chr11-64667395-G-A. GRCh37 (hg19) VCF-style: chr11-64434867-G-A.
Other names: c.1653C>T, p.Ala551= (NM_001376262.1); c.1632C>T, p.Ala544= (NM_001376263.1, NM_001376267.1); c.1608C>T, p.Ala536= (NM_001376265.1); c.1629C>T, p.Ala543= (NM_001376266.1); c.1560C>T, p.Ala520= (NM_138732.3).
Identifiers: ClinVar variation 736191 (VCV000736191.27), dbSNP rs374777953, ClinGen allele CA6078400.